The following is an entry in ClinVar:

ClinVar aggregate classification (germline): Uncertain significance. Review status: criteria provided, multiple submitters, no conflicts (2 of 4 stars). 2 submissions from 2 submitters: Uncertain significance (2). Last evaluated 2026-01-19.

Conditions:
Tumor predisposition syndrome 3 (TPDS3). Also called: Glioma susceptibility 9; LONG TELOMERE SYNDROME, POT1-RELATED; POT1 Tumor Predisposition; Melanoma, cutaneous malignant, susceptibility to, 10. Identifiers: Orphanet 618, MedGen C4014476, MONDO:0014368, OMIM 615848.
Hereditary cancer-predisposing syndrome. Also called: Hereditary Cancer Syndrome; Neoplastic Syndromes, Hereditary; Hereditary neoplastic syndrome; Tumor predisposition. Identifiers: Orphanet 140162, MedGen C0027672, MeSH D009386, MONDO:0015356.

Allele frequency attached by ClinVar (database versions not stated): gnomAD 0.00001; TOPMed 0.00001; gnomAD exomes 0.00001.
gnomAD v4.1: 15 of 1,605,852 alleles (0.00093%); highest among the groups gnomAD compares: Non-Finnish European, 0.0011%; no homozygotes.

Submissions (2):

Labcorp Genetics (formerly Invitae), Labcorp
Classification: Uncertain significance for Tumor predisposition syndrome 3. Last evaluated: 2026-01-19. Review status: criteria provided, single submitter. Criteria: Invitae Variant Classification Sherloc (09022015). Collection method: clinical testing. Allele origin: germline.
Comment: This sequence change replaces alanine, which is neutral and non-polar, with threonine, which is neutral and polar, at codon 230 of the POT1 protein (p.Ala230Thr). This variant is present in population databases (no rsID available, gnomAD 0.0008%). This variant has not been reported in the literature in individuals affected with POT1-related conditions. ClinVar contains an entry for this variant (Variation ID: 541865). Invitae Evidence Modeling of protein sequence and biophysical properties (such as structural, functional, and spatial information, amino acid conservation, physicochemical variation, residue mobility, and thermodynamic stability) indicates that this missense variant is not expected to disrupt POT1 protein function with a negative predictive value of 80%. In summary, the available evidence is currently insufficient to determine the role of this variant in disease. Therefore, it has been classified as a Variant of Uncertain Significance.

Ambry Genetics
Classification: Uncertain significance for Hereditary cancer-predisposing syndrome. Last evaluated: 2024-09-13. Review status: criteria provided, single submitter. Criteria: Ambry Variant Classification Scheme 2023. Collection method: clinical testing. Allele origin: germline.
Comment: The p.A230T variant (also known as c.688G>A), located in coding exon 5 of the POT1 gene, results from a G to A substitution at nucleotide position 688. The alanine at codon 230 is replaced by threonine, an amino acid with similar properties. This amino acid position is highly conserved in available vertebrate species. In addition, the in silico prediction for this alteration is inconclusive. Since supporting evidence is limited at this time, the clinical significance of this alteration remains unclear.

NM_015450.3(POT1):c.688G>A (p.Ala230Thr)

Gene: POT1 (protection of telomeres 1; minus strand). Cytogenetic location: 7q31.33.
Variant type: single nucleotide variant.
Coding change: c.688G>A on transcript NM_015450.3 (MANE Select); coding-DNA position 688, G replaced by A.
Protein change: p.Ala230Thr; replaces alanine 230 with threonine.
Molecular consequence: missense variant. On other transcripts: non-coding transcript variant (3).
Genome position (GRCh38, 1-based): chr7:124,858,971, C>T on the plus strand (G>A on the coding strand, the complement: POT1 is on the minus strand). VCF-style: chr7-124858971-C-T. GRCh37 (hg19) VCF-style: chr7-124499025-C-T.
Other names: c.295G>A, p.Ala99Thr (NM_001042594.2); short protein forms A230T, A99T.
Identifiers: ClinVar variation 541865 (VCV000541865.11), dbSNP rs1315178609, ClinGen allele CA369056030.
Genomic context (GRCh38, chr7:124,858,971, plus strand): 5'-TAATTTATAAAAACATAAAATAACATTTTTTCCTACTATACATCACCTTCAGAGATCTTG[C>T]CACATGAACATGGTTATCGTAGACTAAAATGTCTATTGTCAGATTTTGTAGCCGATGGAT-3'
Protein context (NP_056265.2, residues 220-240): ILVYDNHVHV[Ala230Thr]RSLKVGSFLR